The following is an entry in ClinVar:

ClinVar aggregate classification (germline): Pathogenic (1 of 4 stars; one submission).

Conditions:
Generalized juvenile polyposis/juvenile polyposis coli. Also called: Juvenile polyposis coli. Identifiers: Orphanet 329971, MedGen C1868081, MONDO:0008276.

Submission:

Labcorp Genetics (formerly Invitae), Labcorp
Classification: Pathogenic for Juvenile polyposis syndrome. Last evaluated: 2017-10-12. Review status: criteria provided, single submitter. Criteria: Invitae Variant Classification Sherloc (09022015). Collection method: clinical testing. Allele origin: germline.
Comment: This sequence change creates a premature translational stop signal (p.Glu123Tyrfs*15) in the BMPR1A gene. It is expected to result in an absent or disrupted protein product. This variant is not present in population databases (ExAC no frequency). This variant has not been reported in the literature in individuals with BMPR1A-related disease. Loss-of-function variants in BMPR1A are known to be pathogenic (PMID: 11536076, 12417513). For these reasons, this variant has been classified as Pathogenic.

NM_004329.3(BMPR1A):c.366_384del (p.Glu123fs)

Gene: BMPR1A (bone morphogenetic protein receptor type 1A; plus strand). Cytogenetic location: 10q23.2.
Variant type: Deletion.
Coding change: c.366_384del on transcript NM_004329.3 (MANE Select); coding-DNA positions 366 to 384, 19 bases deleted (AGAATGTTGTCGGACCAAT).
Protein change: p.Glu123fs; shifts the reading frame from glutamic acid 123.
Molecular consequence: frameshift variant.
Genome position (GRCh38, 1-based): chr10:86,899,826-86,899,844, AGAATGTTGTCGGACCAAT deleted; deleting any 19 consecutive bases within chr10:86,899,822-86,899,844 gives the same sequence; the c. name uses the placement nearest the transcript's 3' end. VCF-style (leftmost placement, unchanged base first): chr10-86899821-ACAATAGAATGTTGTCGGAC-A. GRCh37 (hg19) VCF-style: chr10-88659578-ACAATAGAATGTTGTCGGAC-A.
Other names: c.366_384delAGAATGTTGTCGGACCAAT (NM_004329.2); short protein forms E123fs.
Identifiers: ClinVar variation 529927 (VCV000529927.1), dbSNP rs1554888970, ClinGen allele CA658797455.
Genomic context (GRCh38, chr10:86,899,821, plus strand): 5'-CCATTTCTAATTTTATCATTACTCTTCTTTTAGGATTCTCCAAAAGCCCAGCTACGCCGG[ACAATAGAATGTTGTCGGAC>A]CAATTTATGTAACCAGTATTTGCAACCCACACTGCCCCCTGTTGTCATAGGTAGGTTAGC-3'